The following is an entry in ClinVar:

ClinVar aggregate classification (germline): Uncertain significance (1 of 4 stars; one submission).

gnomAD v4.1: 3 of 1,614,158 alleles (0.00019%); highest among the groups gnomAD compares: Non-Finnish European, 0.00025%; no homozygotes.

Submission:

Labcorp Genetics (formerly Invitae), Labcorp
Classification: Uncertain significance. Last evaluated: 2025-11-27. Review status: criteria provided, single submitter. Criteria: Invitae Variant Classification Sherloc (09022015). Collection method: clinical testing. Allele origin: germline.
Comment: This sequence change replaces asparagine, which is neutral and polar, with lysine, which is basic and polar, at codon 1590 of the KIAA0556 protein (p.Asn1590Lys). This variant is not present in population databases (gnomAD no frequency). This variant has not been reported in the literature in individuals affected with KIAA0556-related conditions. An algorithm developed to predict the effect of missense changes on protein structure and function (PolyPhen-2) suggests that this variant is likely to be disruptive. In summary, the available evidence is currently insufficient to determine the role of this variant in disease. Therefore, it has been classified as a Variant of Uncertain Significance.

NM_015202.5(KATNIP):c.4770C>G (p.Asn1590Lys)

Gene: KATNIP (katanin interacting protein; plus strand). Cytogenetic location: 16p12.1.
Variant type: single nucleotide variant.
Coding change: c.4770C>G on transcript NM_015202.5 (MANE Select); coding-DNA position 4770, C replaced by G.
Protein change: p.Asn1590Lys; replaces asparagine 1590 with lysine.
Molecular consequence: missense variant.
Genome position (GRCh38, 1-based): chr16:27,777,938, C>G. VCF-style: chr16-27777938-C-G. GRCh37 (hg19) VCF-style: chr16-27789259-C-G.
Other names: short protein forms N1590K.
Identifiers: ClinVar variation 4766282 (VCV004766282.1).